The following is an entry in ClinVar:

ClinVar aggregate classification (germline): Uncertain significance (1 of 4 stars; one submission).

Allele frequency attached by ClinVar (database versions not stated): gnomAD exomes below 0.00001.
gnomAD v4.1: 1 of 1,614,046 alleles (0.000062%); highest among the groups gnomAD compares: Middle Eastern, 0.017%; no homozygotes.

Submission:

Labcorp Genetics (formerly Invitae), Labcorp
Classification: Uncertain significance. Last evaluated: 2023-12-02. Review status: criteria provided, single submitter. Criteria: Invitae Variant Classification Sherloc (09022015). Collection method: clinical testing. Allele origin: germline.
Comment: This sequence change replaces phenylalanine, which is neutral and non-polar, with leucine, which is neutral and non-polar, at codon 1797 of the SPTA1 protein (p.Phe1797Leu). This variant is not present in population databases (gnomAD no frequency). This variant has not been reported in the literature in individuals affected with SPTA1-related conditions. Advanced modeling of protein sequence and biophysical properties (such as structural, functional, and spatial information, amino acid conservation, physicochemical variation, residue mobility, and thermodynamic stability) performed at Invitae indicates that this missense variant is not expected to disrupt SPTA1 protein function with a negative predictive value of 80%. In summary, the available evidence is currently insufficient to determine the role of this variant in disease. Therefore, it has been classified as a Variant of Uncertain Significance.

NM_003126.4(SPTA1):c.5389T>C (p.Phe1797Leu)

Gene: SPTA1 (spectrin alpha, erythrocytic 1; minus strand). Cytogenetic location: 1q23.1.
Variant type: single nucleotide variant.
Coding change: c.5389T>C on transcript NM_003126.4 (MANE Select); coding-DNA position 5389, T replaced by C.
Protein change: p.Phe1797Leu; replaces phenylalanine 1797 with leucine.
Molecular consequence: missense variant.
Genome position (GRCh38, 1-based): chr1:158,635,956, A>G on the plus strand (T>C on the coding strand, the complement: SPTA1 is on the minus strand). VCF-style: chr1-158635956-A-G. GRCh37 (hg19) VCF-style: chr1-158605746-A-G.
Other names: short protein forms F1797L.
Identifiers: ClinVar variation 2956427 (VCV002956427.3), dbSNP rs1314390951, ClinGen allele CA343026454.
Genomic context (GRCh38, chr1:158,635,956, plus strand): 5'-TTCTGTATCCCACTCACCGGGCCTTGGCCAACTCTTTGAGCTTCTCCCAGTGTTCAACAA[A>G]CTGAGCCAGCCGCAACTGGATCTCCTCTTGCCCCACAGCAGCCTTGTCTTTCAGCTTCTC-3'
Protein context (NP_003117.2, residues 1787-1807): QEEIQLRLAQ[Phe1797Leu]VEHWEKLKEL